The following is an entry in ClinVar:

NM_000548.5(TSC2):c.2845A>G (p.Ile949Val)

Gene: TSC2 (TSC complex subunit 2; plus strand). Cytogenetic location: 16p13.3.
Variant type: single nucleotide variant.
Coding change: c.2845A>G on transcript NM_000548.5 (MANE Select); coding-DNA position 2845, A replaced by G.
Protein change: p.Ile949Val; replaces isoleucine 949 with valine.
Molecular consequence: missense variant. On other transcripts: intron variant (9).
Genome position (GRCh38, 1-based): chr16:2,077,605, A>G. VCF-style: chr16-2077605-A-G. GRCh37 (hg19) VCF-style: chr16-2127606-A-G.
Other names: c.2845A>G, p.Ile949Val (NM_001114382.3, NM_001406663.1, NM_001406664.1); c.2734A>G, p.Ile912Val (NM_001406670.1); c.2698A>G, p.Ile900Val (NM_001406675.1, NM_001406676.1); c.2245A>G, p.Ile749Val (NM_001406680.1, NM_001406682.1, NM_001406683.1 and 1 more transcripts); c.1501A>G, p.Ile501Val (NM_001406689.1); c.2837+1020A>G (NM_021055.3, NM_001370405.1, NM_001363528.2 and 2 more transcripts); c.2726+1020A>G (NM_001318827.2); c.2237+1020A>G (NM_001318831.2); and 2 more; short protein forms I501V, I900V, I949V, I912V, I749V.
Identifiers: ClinVar variation 2122941 (VCV002122941.5), dbSNP rs2543972192, ClinGen allele CA394280756.

ClinVar aggregate classification (germline): Uncertain significance. Review status: criteria provided, multiple submitters, no conflicts (2 of 4 stars). 2 submissions from 2 submitters: Uncertain significance (2). Last evaluated 2025-08-09.

Conditions:
Tuberous sclerosis 2 (TSC2). Identifiers: Orphanet 805, MedGen C1860707, MONDO:0013199, OMIM 613254.
Hereditary cancer-predisposing syndrome. Also called: Hereditary Cancer Syndrome; Neoplastic Syndromes, Hereditary; Hereditary neoplastic syndrome; Tumor predisposition. Identifiers: Orphanet 140162, MedGen C0027672, MeSH D009386, MONDO:0015356.

Allele frequency attached by ClinVar (database versions not stated): gnomAD exomes below 0.00001.
gnomAD v4.1: 1 of 1,613,064 alleles (0.000062%); highest among the groups gnomAD compares: Non-Finnish European, 0.000085%; no homozygotes.

Submissions (2):

Ambry Genetics
Classification: Uncertain significance for Hereditary cancer-predisposing syndrome. Last evaluated: 2025-08-09. Review status: criteria provided, single submitter. Criteria: Ambry Variant Classification Scheme 2023. Collection method: clinical testing. Allele origin: germline.
Comment: The p.I949V variant (also known as c.2845A>G), located in coding exon 25 of the TSC2 gene, results from an A to G substitution at nucleotide position 2845. The isoleucine at codon 949 is replaced by valine, an amino acid with highly similar properties. This amino acid position is conserved. In addition, the in silico prediction for this alteration is inconclusive. Based on the available evidence, the clinical significance of this variant remains unclear.

Labcorp Genetics (formerly Invitae), Labcorp
Classification: Uncertain significance for Tuberous sclerosis 2. Last evaluated: 2025-05-07. Review status: criteria provided, single submitter. Criteria: Invitae Variant Classification Sherloc (09022015). Collection method: clinical testing. Allele origin: germline.
Comment: This sequence change replaces isoleucine, which is neutral and non-polar, with valine, which is neutral and non-polar, at codon 949 of the TSC2 protein (p.Ile949Val). This variant is not present in population databases (gnomAD no frequency). This variant has not been reported in the literature in individuals affected with TSC2-related conditions. ClinVar contains an entry for this variant (Variation ID: 2122941). Invitae Evidence Modeling of protein sequence and biophysical properties (such as structural, functional, and spatial information, amino acid conservation, physicochemical variation, residue mobility, and thermodynamic stability) indicates that this missense variant is not expected to disrupt TSC2 protein function with a negative predictive value of 95%. In summary, the available evidence is currently insufficient to determine the role of this variant in disease. Therefore, it has been classified as a Variant of Uncertain Significance.